The following is an entry in ClinVar:

ClinVar aggregate classification (germline): Likely pathogenic (1 of 4 stars; one submission).

Conditions:
Familial thoracic aortic aneurysm and aortic dissection (TAAD). Also called: Thoracic aortic aneurysms and dissections. Identifiers: Orphanet 91387, MedGen C4707243, MONDO:0019625.

Allele frequency attached by ClinVar (database versions not stated): gnomAD exomes below 0.00001.
gnomAD v4.1: 3 of 1,614,122 alleles (0.00019%); highest among the groups gnomAD compares: Non-Finnish European, 0.00025%; no homozygotes.

Submission:

Labcorp Genetics (formerly Invitae), Labcorp
Classification: Likely pathogenic for Familial thoracic aortic aneurysm and aortic dissection. Last evaluated: 2022-03-23. Review status: criteria provided, single submitter. Criteria: Invitae Variant Classification Sherloc (09022015). Collection method: clinical testing. Allele origin: germline.
Comment: This variant is not present in population databases (gnomAD no frequency). This sequence change affects a donor splice site in intron 3 of the TGFBR1 gene. It is expected to disrupt RNA splicing. Variants that disrupt the donor or acceptor splice site typically lead to a loss of protein function (PMID: 16199547), and loss-of-function variants in TGFBR1 are known to be pathogenic (PMID: 21358634). This variant has not been reported in the literature in individuals affected with TGFBR1-related conditions. In summary, the currently available evidence indicates that the variant is pathogenic, but additional data are needed to prove that conclusively. Therefore, this variant has been classified as Likely Pathogenic. Algorithms developed to predict the effect of sequence changes on RNA splicing suggest that this variant may disrupt the consensus splice site.

Literature cited by the submitters: PubMed 16199547; PubMed 21358634.

NM_004612.4(TGFBR1):c.574+1G>A

Gene: TGFBR1 (transforming growth factor beta receptor 1; plus strand). Cytogenetic location: 9q22.33.
Variant type: single nucleotide variant.
Coding change: c.574+1G>A on transcript NM_004612.4 (MANE Select); the canonical splice donor site of the intron after coding-DNA position 574, G replaced by A.
Molecular consequence: splice donor variant. On other transcripts: intron variant (3).
Genome position (GRCh38, 1-based): chr9:99,132,740, G>A. VCF-style: chr9-99132740-G-A. GRCh37 (hg19) VCF-style: chr9-101895022-G-A.
Other names: c.379+1G>A (NM_001407418.1, NM_001407419.1, NM_001407422.1 and 1 more transcripts); c.367+1G>A (NM_001407423.1, NM_001407424.1, NM_001407425.1 and 8 more transcripts); c.586+1G>A (NM_001306210.2, NM_001407416.1); c.574+1G>A (NM_001407417.1, NM_001407435.1); c.343+3640G>A (NM_001130916.3); c.328+1G>A (NM_001407436.1); c.98-5119G>A (NM_001407438.1); c.98-9796G>A (NM_001407437.1).
Identifiers: ClinVar variation 2098555 (VCV002098555.4), dbSNP rs2490145569, ClinGen allele CA374228554.